The following is an entry in ClinVar:

ClinVar aggregate classification (germline): Likely pathogenic (1 of 4 stars; one submission).

Submission:

Dasa
Classification: Likely pathogenic. Last evaluated: 2024-11-21. Review status: criteria provided, single submitter. Criteria: DASA Assertion Criteria. Collection method: clinical testing. Allele origin: germline.
Comment: NM_004586.3(RPS6KA3):c.406+1_406+9del is a splice-region variant predicted to affect normal RNA splicing. This variant is absent from population databases. Based on the currently available evidence, this variant is classified as likely pathogenic.

NM_004586.3(RPS6KA3):c.406+1_406+9del

Gene: RPS6KA3 (ribosomal protein S6 kinase A3; minus strand). Cytogenetic location: Xp22.12.
Variant type: Deletion.
Coding change: c.406+1_406+9del on transcript NM_004586.3 (MANE Select); the canonical splice donor site of the intron after coding-DNA position 406 through 9 bases into the intron after coding-DNA position 406, 9 bases deleted (GTAAGTATG; older notation c.406+1_406+9delGTAAGTATG).
Molecular consequence: splice donor variant.
Genome position (GRCh38, 1-based): chrX:20,195,056-20,195,064, CATACTTAC deleted on the plus strand (GTAAGTATG on the coding strand, the reverse complement: RPS6KA3 is on the minus strand); deleting any 9 consecutive bases within chrX:20,195,056-20,195,068 gives the same sequence; the c. name uses the placement nearest the transcript's 3' end. VCF-style (leftmost placement, unchanged base first): chrX-20195055-TCATACTTAC-T. GRCh37 (hg19) VCF-style: chrX-20213173-TCATACTTAC-T.
Other names: c.322+1_322+9del (NM_001438340.1).
Identifiers: ClinVar variation 4886580 (VCV004886580.2).